The following is an entry in ClinVar:

ClinVar aggregate classification (germline): Likely benign (0 of 4 stars; one submission).

Conditions:
DGKD-related disorder. Also called: DGKD-related condition.

Allele frequency attached by ClinVar (database versions not stated): gnomAD 0.00001; TOPMed 0.00001; gnomAD exomes 0.00004.
gnomAD v4.1: 57 of 1,613,216 alleles (0.0035%); highest among the groups gnomAD compares: East Asian, 0.0045%; no homozygotes.

Submission:

PreventionGenetics, part of Exact Sciences
Classification: Likely benign for DGKD-related condition. Last evaluated: 2019-09-10. Review status: no assertion criteria provided. Collection method: clinical testing. Allele origin: germline.
Comment: This variant is classified as likely benign based on ACMG/AMP sequence variant interpretation guidelines (Richards et al. 2015 PMID: 25741868, with internal and published modifications).

NM_152879.3(DGKD):c.1791G>A (p.Pro597=)

Gene: DGKD (diacylglycerol kinase delta; plus strand). Cytogenetic location: 2q37.1.
Variant type: single nucleotide variant.
Coding change: c.1791G>A on transcript NM_152879.3 (MANE Select); coding-DNA position 1791, G replaced by A.
Protein change: p.Pro597=; no amino-acid change (proline 597 retained).
Molecular consequence: synonymous variant.
Genome position (GRCh38, 1-based): chr2:233,449,279, G>A. VCF-style: chr2-233449279-G-A. GRCh37 (hg19) VCF-style: chr2-234357925-G-A.
Other names: c.1392G>A, p.Pro464= (NM_001377259.1); c.1659G>A, p.Pro553= (NM_003648.3).
Identifiers: ClinVar variation 3040094 (VCV003040094.2), dbSNP rs1294563312, ClinGen allele CA431956438.
Genomic context (GRCh38, chr2:233,449,279, plus strand): 5'-AGATGGGTCGGGCAGCATCTGCGGTTCCACCGGAGACCGCTTGGTGGCATCAGCTTGCCC[G>A]GCCCGGCCGCAGATATTCCGGCCTCGAGAACAGCTCATGCTGAGAGCCAACAGCCTGAAG-3'
Protein context (NP_690618.2, residues 587-607): TGDRLVASAC[Pro597=]ARPQIFRPRE